The following is an entry in ClinVar:

NM_000277.3(PAH):c.1199+4A>C

Gene: PAH (phenylalanine hydroxylase; minus strand). Cytogenetic location: 12q23.2.
Variant type: single nucleotide variant.
Coding change: c.1199+4A>C on transcript NM_000277.3 (MANE Select); 4 bases into the intron after coding-DNA position 1199, A replaced by C.
Molecular consequence: intron variant.
Genome position (GRCh38, 1-based): chr12:102,843,642, T>G on the plus strand (A>C on the coding strand, the complement: PAH is on the minus strand). VCF-style: chr12-102843642-T-G. GRCh37 (hg19) VCF-style: chr12-103237420-T-G.
Other names: c.1199+4A>C (NM_001354304.2).
Identifiers: ClinVar variation 3233933 (VCV003233933.2), dbSNP rs1471682834, ClinGen allele CA2825002046.

ClinVar aggregate classification (germline): Uncertain significance (1 of 4 stars; one submission).

Submission:

Women's Health and Genetics/Laboratory Corporation of America, LabCorp
Classification: Uncertain significance. Last evaluated: 2024-03-15. Review status: criteria provided, single submitter. Criteria: LabCorp Variant Classification Summary - May 2015. Collection method: clinical testing. Allele origin: germline.
Comment: Variant summary: PAH c.1199+4A>C alters a conserved nucleotide located close to a canonical splice site and therefore could affect mRNA splicing, leading to a significantly altered protein sequence. Several computational tools predict a significant impact on normal splicing: Three predict the variant weakens a canonical 5' donor site and one predicts the variant abolishes this site. One predicts the variant strengthens a cryptic 5' donor site. However, these predictions have yet to be confirmed by functional studies. The variant was absent in 251270 control chromosomes (gnomAD). The available data on variant occurrences in the general population are insufficient to allow any conclusion about variant significance. To our knowledge, no occurrence of c.1199+4A>C in individuals affected with Phenylalanine Hydroxylase Deficiency (Phenylketonuria) and no experimental evidence demonstrating its impact on protein function have been reported. No submitters have cited clinical-significance assessments for this variant to ClinVar. Based on the evidence outlined above, the variant was classified as uncertain significance.